The following is an entry in ClinVar:

ClinVar aggregate classification (germline): Uncertain significance. Review status: criteria provided, multiple submitters, no conflicts (2 of 4 stars). 5 submissions from 5 submitters: Uncertain significance (4). 1 of the submissions does not count toward it. Last evaluated 2025-03-26.

Conditions:
Hereditary cancer-predisposing syndrome. Also called: Hereditary Cancer Syndrome; Hereditary neoplastic syndrome; Neoplastic Syndromes, Hereditary; Tumor predisposition. Identifiers: Orphanet 140162, MedGen C0027672, MeSH D009386, MONDO:0015356.
Familial cancer of breast. Also called: BREAST CANCER, FAMILIAL; Hereditary breast cancer; hereditary breast carcinoma. Identifiers: Orphanet 227535, MedGen C0346153, MONDO:0016419, OMIM 114480. Disease mechanism: loss of function.

Allele frequency attached by ClinVar (database versions not stated): gnomAD below 0.00001 and 0.00001.

Submissions (5):

Labcorp Genetics (formerly Invitae), Labcorp
Classification: Uncertain significance for Familial cancer of breast. Last evaluated: 2025-03-26. Review status: criteria provided, single submitter. Criteria: Invitae Variant Classification Sherloc (09022015). Collection method: clinical testing. Allele origin: germline.
Comment: This sequence change replaces tyrosine, which is neutral and polar, with cysteine, which is neutral and slightly polar, at codon 516 of the BARD1 protein (p.Tyr516Cys). This variant is not present in population databases (gnomAD no frequency). This variant has not been reported in the literature in individuals affected with BARD1-related conditions. ClinVar contains an entry for this variant (Variation ID: 406731). An algorithm developed to predict the effect of missense changes on protein structure and function outputs the following: PolyPhen-2: "Benign". The cysteine amino acid residue is found in multiple mammalian species, which suggests that this missense change does not adversely affect protein function. In summary, the available evidence is currently insufficient to determine the role of this variant in disease. Therefore, it has been classified as a Variant of Uncertain Significance.

Ambry Genetics
Classification: Uncertain significance for Hereditary cancer-predisposing syndrome. Last evaluated: 2025-01-06. Review status: criteria provided, single submitter. Criteria: Ambry Variant Classification Scheme 2023. Collection method: clinical testing. Allele origin: germline.
Comment: The p.Y516C variant (also known as c.1547A>G), located in coding exon 6 of the BARD1 gene, results from an A to G substitution at nucleotide position 1547. The tyrosine at codon 516 is replaced by cysteine, an amino acid with highly dissimilar properties. This amino acid position is poorly conserved in available vertebrate species. In addition, this alteration is predicted to be tolerated by in silico analysis. Since supporting evidence is limited at this time, the clinical significance of this alteration remains unclear.

Baylor Genetics
Classification: Uncertain significance for Familial cancer of breast. Last evaluated: 2024-01-19. Review status: criteria provided, single submitter. Criteria: ACMG Guidelines, 2015. Collection method: clinical testing. Allele origin: unknown.

Myriad Genetics, Inc.
Classification: Uncertain significance for Familial cancer of breast. Last evaluated: 2023-02-23. Review status: criteria provided, single submitter. Criteria: Myriad Autosomal Dominant, Autosomal Recessive and X-Linked Classification Criteria (2023). Collection method: clinical testing. Allele origin: unknown.
Comment: This variant is classified as a variant of uncertain significance as there is insufficient evidence to determine its impact on protein function and/or cancer risk.

Counsyl
Classification: Uncertain significance for Familial cancer of breast. Last evaluated: 2018-06-04. Review status: no assertion criteria provided. Collection method: clinical testing. Allele origin: unknown. Not counted in ClinVar's aggregate classification.

NM_000465.4(BARD1):c.1547A>G (p.Tyr516Cys)

Gene: BARD1 (BRCA1 associated RING domain 1; minus strand). Cytogenetic location: 2q35.
Variant type: single nucleotide variant.
Coding change: c.1547A>G on transcript NM_000465.4 (MANE Select); coding-DNA position 1547, A replaced by G.
Protein change: p.Tyr516Cys; replaces tyrosine 516 with cysteine.
Molecular consequence: missense variant. On other transcripts: non-coding transcript variant (3), intron variant (3).
Genome position (GRCh38, 1-based): chr2:214,767,503, T>C on the plus strand (A>G on the coding strand, the complement: BARD1 is on the minus strand). VCF-style: chr2-214767503-T-C. GRCh37 (hg19) VCF-style: chr2-215632227-T-C.
Other names: c.1490A>G, p.Tyr497Cys (NM_001282543.2); c.159-14948A>G (NM_001282548.2); c.216-14948A>G (NM_001282545.2); c.364+24794A>G (NM_001282549.2); short protein forms Y516C, Y497C.
Identifiers: ClinVar variation 406731 (VCV000406731.18), dbSNP rs876660325, ClinGen allele CA16610690.